The following is an entry in ClinVar:

NM_000419.5(ITGA2B):c.1622T>A (p.Leu541Gln)

Gene: ITGA2B (integrin subunit alpha 2b; minus strand). Cytogenetic location: 17q21.31.
Variant type: single nucleotide variant.
Coding change: c.1622T>A on transcript NM_000419.5 (MANE Select); coding-DNA position 1622, T replaced by A.
Protein change: p.Leu541Gln; replaces leucine 541 with glutamine.
Molecular consequence: missense variant.
Genome position (GRCh38, 1-based): chr17:44,380,132, A>T on the plus strand (T>A on the coding strand, the complement: ITGA2B is on the minus strand). VCF-style: chr17-44380132-A-T. GRCh37 (hg19) VCF-style: chr17-42457500-A-T.
Other names: NM_000419.5:c.1622T>A; short protein forms L541Q.
Identifiers: ClinVar variation 1330318 (VCV001330318.1), dbSNP rs1598379635, ClinGen allele CA399802403.

ClinVar aggregate classification (germline): Uncertain significance (3 of 4 stars; one submission).

Conditions:
Glanzmann thrombasthenia. Also called: THROMBASTHENIA OF GLANZMANN AND NAEGELI; BLEEDING DISORDER, PLATELET-TYPE, 2; Thrombasthenia; PLATELET GLYCOPROTEIN IIb-IIIa DEFICIENCY; Glanzmann's thrombasthenia. Identifiers: Orphanet 849, MedGen C0040015, MONDO:0100326.

Submission:

ClinGen Platelet Disorders Variant Curation Expert Panel, ClinGen
Classification: Uncertain significance for Glanzmann thrombasthenia. Last evaluated: 2021-11-04. Review status: reviewed by expert panel. Criteria: ClinGen Platelet ACMG Specifications v2. Collection method: curation. Allele origin: germline. Inheritance: Autosomal recessive inheritance.
Comment: The NM_000419.5(ITGA2B):c.1622T>A (p.Leu541Gln) missense variant has been reported at least once, GT19 (PMID: 32237906) displayed mucocutaneous bleeding and impaired aggregation with all agonists except ristocetin, which is highly specific for Glanzmann thrombasthenia (PP4_moderate). Additionally, αIIb surface expression was reduced to 0.371%, as measured by flow cytometry. This variant is absent from gnomAD v2.1.1 (PM2_Supporting). In summary, this variant meets the criteria to be classified as uncertain significance for autosomal recessive Glanzmann Thrombasthenia based on the ACMG/AMP criteria applied, as specified by the ClinGen PD VCEP: PP4_moderate, PM2_supporitng. (VCEP specifications version 2; date of approval 11/04/2021)